The following is an entry in ClinVar:

ClinVar aggregate classification (germline): Uncertain significance (1 of 4 stars; one submission).

Conditions:
ADCY3-related disorder. Also called: ADCY3-related condition.

gnomAD v4.1: 2 of 1,613,744 alleles (0.00012%); highest among the groups gnomAD compares: Non-Finnish European, 0.00017%; no homozygotes.

Submission:

PreventionGenetics, part of Exact Sciences
Classification: Uncertain significance for ADCY3-related condition. Last evaluated: 2026-05-28. Review status: criteria provided, single submitter. Criteria: ACMG Guidelines, 2015. Collection method: clinical testing. Allele origin: germline.
Comment: The ADCY3 c.1279C>G variant is predicted to result in the amino acid substitution p.Gln427Glu. To our knowledge, this variant has not been reported in the literature or in a large population database (gnomAD), indicating this variant is rare. At this time, the clinical significance of this variant is uncertain due to the absence of conclusive functional and genetic evidence.

NM_004036.5(ADCY3):c.1279C>G (p.Gln427Glu)

Gene: ADCY3 (adenylate cyclase 3; minus strand). Cytogenetic location: 2p23.3.
Variant type: single nucleotide variant.
Coding change: c.1279C>G on transcript NM_004036.5 (MANE Select); coding-DNA position 1279, C replaced by G.
Protein change: p.Gln427Glu; replaces glutamine 427 with glutamic acid.
Molecular consequence: missense variant.
Genome position (GRCh38, 1-based): chr2:24,839,949, G>C on the plus strand (C>G on the coding strand, the complement: ADCY3 is on the minus strand). VCF-style: chr2-24839949-G-C. GRCh37 (hg19) VCF-style: chr2-25062818-G-C.
Other names: c.1279C>G, p.Gln427Glu (NM_001320613.2, NM_001377128.1, NM_001377129.1 and 2 more transcripts); c.556C>G, p.Gln186Glu (NM_001377131.1); short protein forms Q427E, Q186E.
Identifiers: ClinVar variation 4984428 (VCV004984428.1).
Genomic context (GRCh38, chr2:24,839,949, plus strand): 5'-CCTCCATCTTGTTGGCTACAGTGACATCAGTCGACCACACGTCGTACTGCCAGCGCTTCT[G>C]GCCCAGGACGCCCCCCAGCACGGTGCCCGTGTGCACCCCCACACGCATGTCCACCCCAGT-3'
Protein context (NP_004027.2, residues 417-437): TGTVLGGVLG[Gln427Glu]KRWQYDVWST